The following is an entry in ClinVar:

ClinVar aggregate classification (germline): Uncertain significance (1 of 4 stars; one submission).

Conditions:
Familial cold autoinflammatory syndrome 3 (FCAS3). Also called: ANTIBODY DEFICIENCY AND IMMUNE DYSREGULATION, PLCG2-ASSOCIATED; FAMILIAL ATYPICAL COLD URTICARIA. Identifiers: Orphanet 300359, MedGen C3280914, MONDO:0013766, OMIM 614468.

Allele frequency attached by ClinVar (database versions not stated): gnomAD exomes below 0.00001; gnomAD 0.00001.
gnomAD v4.1: 10 of 1,587,842 alleles (0.00063%); highest among the groups gnomAD compares: Non-Finnish European, 0.00069%; no homozygotes.

Submission:

Labcorp Genetics (formerly Invitae), Labcorp
Classification: Uncertain significance for Familial cold autoinflammatory syndrome 3. Last evaluated: 2024-09-17. Review status: criteria provided, single submitter. Criteria: Invitae Variant Classification Sherloc (09022015). Collection method: clinical testing. Allele origin: germline.
Comment: This sequence change replaces serine, which is neutral and polar, with arginine, which is basic and polar, at codon 398 of the PLCG2 protein (p.Ser398Arg). This variant is present in population databases (no rsID available, gnomAD 0.0009%). This variant has not been reported in the literature in individuals affected with PLCG2-related conditions. ClinVar contains an entry for this variant (Variation ID: 578486). An algorithm developed to predict the effect of missense changes on protein structure and function (PolyPhen-2) suggests that this variant is likely to be tolerated. In summary, the available evidence is currently insufficient to determine the role of this variant in disease. Therefore, it has been classified as a Variant of Uncertain Significance.

NM_002661.5(PLCG2):c.1194C>G (p.Ser398Arg)

Gene: PLCG2 (phospholipase C gamma 2; plus strand). Cytogenetic location: 16q23.3.
Variant type: single nucleotide variant.
Coding change: c.1194C>G on transcript NM_002661.5 (MANE Select); coding-DNA position 1194, C replaced by G.
Protein change: p.Ser398Arg; replaces serine 398 with arginine.
Molecular consequence: missense variant.
Genome position (GRCh38, 1-based): chr16:81,900,612, C>G. VCF-style: chr16-81900612-C-G. GRCh37 (hg19) VCF-style: chr16-81934217-C-G.
Other names: short protein forms S398R.
Identifiers: ClinVar variation 578486 (VCV000578486.6), dbSNP rs1051315426, ClinGen allele CA285138519.